The following is an entry in ClinVar:

ClinVar aggregate classification (germline): Uncertain significance (1 of 4 stars; one submission).

Conditions:
Imerslund-Grasbeck syndrome. Also called: Megaloblastic anemia due to inborn errors of metabolism; PERNICIOUS ANEMIA, JUVENILE, DUE TO SELECTIVE INTESTINAL MALABSORPTION OF VITAMIN B12, WITH PROTEINURIA; ENTEROCYTE COBALAMIN MALABSORPTION; ENTEROCYTE INTRINSIC FACTOR RECEPTOR, DEFECT OF; Imerslund-Gräsbeck syndrome. Identifiers: Orphanet 35858, MedGen C4551825, MONDO:0009853.

Allele frequency attached by ClinVar (database versions not stated): gnomAD exomes below 0.00001.
gnomAD v4.1: 5 of 1,614,008 alleles (0.00031%); highest among the groups gnomAD compares: Non-Finnish European, 0.00034%; no homozygotes.

Submission:

Labcorp Genetics (formerly Invitae), Labcorp
Classification: Uncertain significance for Imerslund-Grasbeck syndrome. Last evaluated: 2022-04-06. Review status: criteria provided, single submitter. Criteria: Invitae Variant Classification Sherloc (09022015). Collection method: clinical testing. Allele origin: germline.
Comment: In summary, the available evidence is currently insufficient to determine the role of this variant in disease. Therefore, it has been classified as a Variant of Uncertain Significance. Algorithms developed to predict the effect of missense changes on protein structure and function are either unavailable or do not agree on the potential impact of this missense change (SIFT: "Deleterious"; PolyPhen-2: "Probably Damaging"; Align-GVGD: "Class C0"). This variant has not been reported in the literature in individuals affected with CUBN-related conditions. This variant is not present in population databases (gnomAD no frequency). This sequence change replaces threonine, which is neutral and polar, with isoleucine, which is neutral and non-polar, at codon 666 of the CUBN protein (p.Thr666Ile).

NM_001081.4(CUBN):c.1997C>T (p.Thr666Ile)

Gene: CUBN (cubilin; minus strand). Cytogenetic location: 10p13.
Variant type: single nucleotide variant.
Coding change: c.1997C>T on transcript NM_001081.4 (MANE Select); coding-DNA position 1997, C replaced by T.
Protein change: p.Thr666Ile; replaces threonine 666 with isoleucine.
Molecular consequence: missense variant.
Genome position (GRCh38, 1-based): chr10:17,085,710, G>A on the plus strand (C>T on the coding strand, the complement: CUBN is on the minus strand). VCF-style: chr10-17085710-G-A. GRCh37 (hg19) VCF-style: chr10-17127709-G-A.
Other names: short protein forms T666I.
Identifiers: ClinVar variation 1955195 (VCV001955195.5), dbSNP rs2492013573, ClinGen allele CA376149884.
Genomic context (GRCh38, chr10:17,085,710, plus strand): 5'-GAATGGAAGTGAATTCTGGCAAAGGGGCCAGTAGTCTGGAGCGGTGGGACAGAGAAAGTG[G>A]TGCAGAACTTCCCAAGAAGGGGGTCCTGATACAAAGGACCATCTCGAATCTAAAACAAAA-3'
Protein context (NP_001072.2, residues 656-676): YQDPLLGKFC[Thr666Ile]TFSVPPLQTT